The following is an entry in ClinVar:

ClinVar aggregate classification (germline): Uncertain significance (1 of 4 stars; one submission).

Submission:

GeneDx
Classification: Uncertain significance. Last evaluated: 2025-07-15. Review status: criteria provided, single submitter. Criteria: GeneDx Variant Classification Process June 2021. Collection method: clinical testing. Allele origin: germline. Affected: yes.
Comment: Not observed at significant frequency in large population cohorts (gnomAD); In silico analysis supports that this missense variant has a deleterious effect on protein structure/function; Has not been previously published as pathogenic or benign to our knowledge

NM_000047.3(ARSL):c.1398G>C (p.Trp466Cys)

Gene: ARSL (arylsulfatase L; minus strand). Cytogenetic location: Xp22.33.
Variant type: single nucleotide variant.
Coding change: c.1398G>C on transcript NM_000047.3 (MANE Select); coding-DNA position 1398, G replaced by C.
Protein change: p.Trp466Cys; replaces tryptophan 466 with cysteine.
Molecular consequence: missense variant.
Genome position (GRCh38, 1-based): chrX:2,936,755, C>G on the plus strand (G>C on the coding strand, the complement: ARSL is on the minus strand). VCF-style: chrX-2936755-C-G. GRCh37 (hg19) VCF-style: chrX-2854796-C-G.
Other names: c.1473G>C, p.Trp491Cys (NM_001282628.2, NM_001369080.1); c.1236G>C, p.Trp412Cys (NM_001282631.2, NM_001440750.1); c.1425G>C, p.Trp475Cys (NM_001369079.1); c.1398G>C, p.Trp466Cys (NM_001440751.1); short protein forms W412C, W466C, W475C, W491C.
Identifiers: ClinVar variation 4686230 (VCV004686230.1).
Genomic context (GRCh38, chrX:2,936,755, plus strand): 5'-GAGGGACTCTTTCCCTAAGGGTGTTAGGAAGGGGCTCCCCTACTCACTGTCCCGTTGATG[C>G]CACCTGGCTGCGTGCAGAAACCTCTCACAATAATGCATCAGGAACTCGTGGTCTGAGTGT-3'
Protein context (NP_000038.2, residues 456-476): YCERFLHAAR[Trp466Cys]HQRDRGTMWK